The following is an entry in ClinVar:

NM_001540.5(HSPB1):c.365G>A (p.Gly122Asp)

Gene: HSPB1 (heat shock protein family B (small) member 1; plus strand). Cytogenetic location: 7q11.23.
Variant type: single nucleotide variant.
Coding change: c.365G>A on transcript NM_001540.5 (MANE Select); coding-DNA position 365, G replaced by A.
Protein change: p.Gly122Asp; replaces glycine 122 with aspartic acid.
Molecular consequence: missense variant.
Genome position (GRCh38, 1-based): chr7:76,303,802, G>A. VCF-style: chr7-76303802-G-A. GRCh37 (hg19) VCF-style: chr7-75933119-G-A.
Other names: short protein forms G122D.
Identifiers: ClinVar variation 1969539 (VCV001969539.5), dbSNP rs2536151246, ClinGen allele CA367765263.
Genomic context (GRCh38, chr7:76,303,802, plus strand): 5'-CTAGCGGGGCCGAAAGGCAGTCCCCTCCCCCGCAGTCTGATTTCCCTCTTCCCCCCAAAG[G>A]CAAGCACGAGGAGCGGCAGGACGAGCATGGCTACATCTCCCGGTGCTTCACGCGGAAATA-3'
Protein context (NP_001531.1, residues 112-132): KTKDGVVEIT[Gly122Asp]KHEERQDEHG

ClinVar aggregate classification (germline): Uncertain significance (1 of 4 stars; one submission).

Conditions:
Charcot-Marie-Tooth disease axonal type 2F (CMT2F). Also called: CHARCOT-MARIE-TOOTH DISEASE, NEURONAL, TYPE 2F; Charcot-Marie-Tooth Neuropathy Type 2F. Identifiers: Orphanet 99940, MedGen C1847823, MONDO:0011687, OMIM 606595.

Submission:

Labcorp Genetics (formerly Invitae), Labcorp
Classification: Uncertain significance for Charcot-Marie-Tooth disease axonal type 2F. Last evaluated: 2023-05-18. Review status: criteria provided, single submitter. Criteria: Invitae Variant Classification Sherloc (09022015). Collection method: clinical testing. Allele origin: germline.
Comment: In summary, the available evidence is currently insufficient to determine the role of this variant in disease. Therefore, it has been classified as a Variant of Uncertain Significance. This sequence change replaces glycine, which is neutral and non-polar, with aspartic acid, which is acidic and polar, at codon 122 of the HSPB1 protein (p.Gly122Asp). This variant is not present in population databases (gnomAD no frequency). This variant has not been reported in the literature in individuals affected with HSPB1-related conditions. ClinVar contains an entry for this variant (Variation ID: 1969539). An algorithm developed to predict the effect of missense changes on protein structure and function (PolyPhen-2) suggests that this variant is likely to be disruptive.